The following is an entry in ClinVar:

ClinVar aggregate classification (germline): Likely pathogenic (1 of 4 stars; one submission).

Conditions:
Methylcrotonyl-CoA carboxylase deficiency. Also called: 3 Methylcrotonylglycinuria; Deficiency of methylcrotonoyl-CoA carboxylase; 3-MCC Deficiency. Identifiers: Orphanet 6, MedGen C4551505, MONDO:0018950.

Submission:

Women's Health and Genetics/Laboratory Corporation of America, LabCorp
Classification: Likely pathogenic for Methylcrotonyl-CoA carboxylase deficiency. Last evaluated: 2025-01-27. Review status: criteria provided, single submitter. Criteria: LabCorp Variant Classification Summary - May 2015. Collection method: clinical testing. Allele origin: germline.
Comment: Variant summary: MCCC2 c.505T>G (p.Tyr169Asp) results in a non-conservative amino acid change located in the Acetyl-coenzyme A (CoA) carboxyltransferase N-terminal domain profile domain (IPR011762) of the encoded protein sequence. Five of five in-silico tools predict a damaging effect of the variant on protein function. The variant was absent in 251470 control chromosomes. c.505T>G has been reported in the literature in the compount heterozygous state in individuals with biochemically confirmed Methylcrotonyl-CoA Carboxylase Deficiency (Grunert_2012, CHeng_2023). These data indicate that the variant may be associated with disease. To our knowledge, no experimental evidence demonstrating an impact on protein function has been reported. Another missense variant affecting this amino acid (p.Tyr169Cys CV ID 652543) has been determined to be pathogenic, supporting the critical relevance of codon 169 to MCCC2 protein function. The following publications have been ascertained in the context of this evaluation (PMID: 36822454, 22642865). No submitters have cited clinical-significance assessments for this variant to ClinVar. Based on the evidence outlined above, the variant was classified as likely pathogenic.

Literature cited by the submitters: PubMed 22642865; PubMed 36822454.

NM_022132.5(MCCC2):c.505T>G (p.Tyr169Asp)

Gene: MCCC2 (methylcrotonyl-CoA carboxylase subunit 2; plus strand). Cytogenetic location: 5q13.2.
Variant type: single nucleotide variant.
Coding change: c.505T>G on transcript NM_022132.5 (MANE Select); coding-DNA position 505, T replaced by G.
Protein change: p.Tyr169Asp; replaces tyrosine 169 with aspartic acid.
Molecular consequence: missense variant.
Genome position (GRCh38, 1-based): chr5:71,602,627, T>G. VCF-style: chr5-71602627-T-G. GRCh37 (hg19) VCF-style: chr5-70898454-T-G.
Other names: c.505T>G, p.Tyr169Asp (NM_001363147.1); short protein forms Y169D.
Identifiers: ClinVar variation 3769401 (VCV003769401.3).